The following is an entry in ClinVar:

NM_001174089.2(SLC4A11):c.515G>T (p.Arg172Leu)

Gene: SLC4A11 (solute carrier family 4 member 11; minus strand). Cytogenetic location: 20p13.
Variant type: single nucleotide variant.
Coding change: c.515G>T on transcript NM_001174089.2 (MANE Select); coding-DNA position 515, G replaced by T.
Protein change: p.Arg172Leu; replaces arginine 172 with leucine.
Molecular consequence: missense variant. On other transcripts: non-coding transcript variant (1).
Genome position (GRCh38, 1-based): chr20:3,234,091, C>A on the plus strand (G>T on the coding strand, the complement: SLC4A11 is on the minus strand). VCF-style: chr20-3234091-C-A. GRCh37 (hg19) VCF-style: chr20-3214737-C-A.
Other names: c.644G>T, p.Arg215Leu (NM_001174090.2); c.515G>T, p.Arg172Leu (NM_001363745.2); c.563G>T, p.Arg188Leu (NM_032034.4); short protein forms R172L, R188L, R215L.
Identifiers: ClinVar variation 1392165 (VCV001392165.3), dbSNP rs149016022, ClinGen allele CA9742269.

ClinVar aggregate classification (germline): Uncertain significance (1 of 4 stars; one submission).

gnomAD v4.1: 1 of 1,613,828 alleles (0.000062%); highest among the groups gnomAD compares: Admixed American, 0.0017%; no homozygotes.

Submission:

Labcorp Genetics (formerly Invitae), Labcorp
Classification: Uncertain significance. Last evaluated: 2021-11-08. Review status: criteria provided, single submitter. Criteria: Invitae Variant Classification Sherloc (09022015). Collection method: clinical testing. Allele origin: germline.
Comment: This sequence change replaces arginine, which is basic and polar, with leucine, which is neutral and non-polar, at codon 188 of the SLC4A11 protein (p.Arg188Leu). This variant is present in population databases (rs149016022, gnomAD 0.003%). This variant has not been reported in the literature in individuals affected with SLC4A11-related conditions. Algorithms developed to predict the effect of missense changes on protein structure and function (SIFT, PolyPhen-2, Align-GVGD) all suggest that this variant is likely to be tolerated. In summary, the available evidence is currently insufficient to determine the role of this variant in disease. Therefore, it has been classified as a Variant of Uncertain Significance.